The following is an entry in ClinVar:

NM_022114.4(PRDM16):c.525G>C (p.Ala175=)

Gene: PRDM16 (PR/SET domain 16; plus strand). Cytogenetic location: 1p36.32.
Variant type: single nucleotide variant.
Coding change: c.525G>C on transcript NM_022114.4 (MANE Select); coding-DNA position 525, G replaced by C.
Protein change: p.Ala175=; no amino-acid change (alanine 175 retained).
Molecular consequence: synonymous variant.
Genome position (GRCh38, 1-based): chr1:3,385,238, G>C. VCF-style: chr1-3385238-G-C. GRCh37 (hg19) VCF-style: chr1-3301802-G-C.
Other names: p.Ala175=; c.525G>C, p.Ala175= (NM_199454.3).
Identifiers: ClinVar variation 737047 (VCV000737047.10), dbSNP rs761677255, ClinGen allele CA543843.

ClinVar aggregate classification (germline): Likely benign. Review status: criteria provided, multiple submitters, no conflicts (2 of 4 stars). 2 submissions from 2 submitters: Likely benign (2). Last evaluated 2025-10-21.

Conditions:
Left ventricular noncompaction 8 (LVNC8). Identifiers: Orphanet 154, Orphanet 54260, MedGen C3809288, MONDO:0014152, OMIM 615373.

Allele frequency attached by ClinVar (database versions not stated): TOPMed 0.00002.
gnomAD v4.1: 27 of 1,613,602 alleles (0.0017%); highest among the groups gnomAD compares: Non-Finnish European, 0.0021%; no homozygotes.

Submissions (2):

Labcorp Genetics (formerly Invitae), Labcorp
Classification: Likely benign for Left ventricular noncompaction 8. Last evaluated: 2025-10-21. Review status: criteria provided, single submitter. Criteria: Invitae Variant Classification Sherloc (09022015). Collection method: clinical testing. Allele origin: germline.

Mayo Clinic Laboratories, Mayo Clinic
Classification: Likely benign. Last evaluated: 2025-09-16. Review status: criteria provided, single submitter. Criteria: ACMG Guidelines, 2015. Collection method: clinical testing. Allele origin: germline. Observed: 1 variant allele.
Comment: BP4, BP7